The following is an entry in ClinVar:

ClinVar aggregate classification (germline): Uncertain significance (1 of 4 stars; one submission).

Allele frequency attached by ClinVar (database versions not stated): ExAC 0.00001; gnomAD exomes 0.00001; gnomAD 0.00002; TOPMed 0.00003; 1000 Genomes Project 30x 0.00031; 1000 Genomes Project 0.00040.
gnomAD v4.1: 11 of 1,612,110 alleles (0.00068%); highest among the groups gnomAD compares: East Asian, 0.011%; no homozygotes.

Submission:

Labcorp Genetics (formerly Invitae), Labcorp
Classification: Uncertain significance. Last evaluated: 2023-04-30. Review status: criteria provided, single submitter. Criteria: Invitae Variant Classification Sherloc (09022015). Collection method: clinical testing. Allele origin: germline.
Comment: In summary, the available evidence is currently insufficient to determine the role of this variant in disease. Therefore, it has been classified as a Variant of Uncertain Significance. Advanced modeling of protein sequence and biophysical properties (such as structural, functional, and spatial information, amino acid conservation, physicochemical variation, residue mobility, and thermodynamic stability) performed at Invitae indicates that this missense variant is expected to disrupt MATN3 protein function. This variant has not been reported in the literature in individuals affected with MATN3-related conditions. This variant is present in population databases (rs566240334, gnomAD 0.006%). This sequence change replaces phenylalanine, which is neutral and non-polar, with leucine, which is neutral and non-polar, at codon 99 of the MATN3 protein (p.Phe99Leu).

NM_002381.5(MATN3):c.295T>C (p.Phe99Leu)

Gene: MATN3 (matrilin 3; minus strand). Cytogenetic location: 2p24.1.
Variant type: single nucleotide variant.
Coding change: c.295T>C on transcript NM_002381.5 (MANE Select); coding-DNA position 295, T replaced by C.
Protein change: p.Phe99Leu; replaces phenylalanine 99 with leucine.
Molecular consequence: missense variant.
Genome position (GRCh38, 1-based): chr2:20,006,239, A>G on the plus strand (T>C on the coding strand, the complement: MATN3 is on the minus strand). VCF-style: chr2-20006239-A-G. GRCh37 (hg19) VCF-style: chr2-20206000-A-G.
Other names: short protein forms F99L.
Identifiers: ClinVar variation 2964172 (VCV002964172.3), dbSNP rs566240334, ClinGen allele CA1543994.